The following is an entry in ClinVar:

NM_004082.5(DCTN1):c.3107G>A (p.Arg1036His)

Gene: DCTN1 (dynactin subunit 1; minus strand). Cytogenetic location: 2p13.1.
Variant type: single nucleotide variant.
Coding change: c.3107G>A on transcript NM_004082.5 (MANE Select); coding-DNA position 3107, G replaced by A.
Protein change: p.Arg1036His; replaces arginine 1036 with histidine.
Molecular consequence: missense variant. On other transcripts: non-coding transcript variant (1).
Genome position (GRCh38, 1-based): chr2:74,365,164, C>T on the plus strand (G>A on the coding strand, the complement: DCTN1 is on the minus strand). VCF-style: chr2-74365164-C-T. GRCh37 (hg19) VCF-style: chr2-74592291-C-T.
Other names: c.3047G>A, p.Arg1016His (NM_001135040.3); c.2705G>A, p.Arg902His (NM_001135041.3, NM_023019.4); c.2996G>A, p.Arg999His (NM_001190836.2); c.3086G>A, p.Arg1029His (NM_001190837.2); c.3056G>A, p.Arg1019His (NM_001378991.1); c.3038G>A, p.Arg1013His (NM_001378992.1); short protein forms R1016H, R1019H, R1036H, R999H, R1013H, R1029H, R902H.
Identifiers: ClinVar variation 1473711 (VCV001473711.6), dbSNP rs762382952, ClinGen allele CA1721628.
Genomic context (GRCh38, chr2:74,365,164, plus strand): 5'-ATGCCTGAAGGAGGAGGGCCCCGGAGTCCCTCAATCGTGCGTTTGGACTGGCTGTTCAGA[C>T]GCTGCTTTAGTTCTGCCTTCTCTGCCTCCAGCTGGTCGATGTCAGCCTGGAGTGCATCCA-3'
Protein context (NP_004073.2, residues 1026-1046): LEAEKAELKQ[Arg1036His]LNSQSKRTIE

ClinVar aggregate classification (germline): Uncertain significance (1 of 4 stars; one submission).

Conditions:
Amyotrophic lateral sclerosis type 1 (ALS1). Also called: AMYOTROPHIC LATERAL SCLEROSIS 1, FAMILIAL. Identifiers: Orphanet 803, MedGen C1862939, MONDO:0007103, OMIM 105400.
Perry syndrome. Also called: PARKINSONISM WITH ALVEOLAR HYPOVENTILATION AND MENTAL DEPRESSION. Identifiers: Orphanet 178509, MedGen C1868594, MONDO:0008201, OMIM 168605.
Neuronopathy, distal hereditary motor, type 7B. Also called: HMN VIIB; Distal Hereditary Motor Neuronopathy Type 7B (dHMN7B); LOWER MOTOR NEURON DISEASE, DYNACTIN TYPE; NEURONOPATHY, DISTAL HEREDITARY MOTOR, AUTOSOMAL DOMINANT 14; NEURONOPATHY, DISTAL HEREDITARY MOTOR, HARDING TYPE VIIB; NEUROPATHY, DISTAL HEREDITARY MOTOR, HARDING TYPE VIIB. Identifiers: Orphanet 139589, MedGen C1843315, MONDO:0011879, OMIM 607641.

Allele frequency attached by ClinVar (database versions not stated): TOPMed below 0.00001; gnomAD exomes 0.00001 and 0.00002; ExAC 0.00002.
gnomAD v4.1: 7 of 1,614,206 alleles (0.00043%); highest among the groups gnomAD compares: South Asian, 0.0033%; no homozygotes.

Submission:

Labcorp Genetics (formerly Invitae), Labcorp
Classification: Uncertain significance for Amyotrophic lateral sclerosis type 1; Neuronopathy, distal hereditary motor, type 7B; Perry syndrome. Last evaluated: 2021-11-14. Review status: criteria provided, single submitter. Criteria: Invitae Variant Classification Sherloc (09022015). Collection method: clinical testing. Allele origin: germline.
Comment: In summary, the available evidence is currently insufficient to determine the role of this variant in disease. Therefore, it has been classified as a Variant of Uncertain Significance. Algorithms developed to predict the effect of missense changes on protein structure and function (SIFT, PolyPhen-2, Align-GVGD) all suggest that this variant is likely to be disruptive. This variant has not been reported in the literature in individuals affected with DCTN1-related conditions. This variant is present in population databases (rs762382952, gnomAD 0.006%). This sequence change replaces arginine, which is basic and polar, with histidine, which is basic and polar, at codon 1036 of the DCTN1 protein (p.Arg1036His).